The following is an entry in ClinVar:

ClinVar aggregate classification (germline): Conflicting classifications of pathogenicity. Review status: criteria provided, conflicting classifications (1 of 4 stars). 13 submissions from 13 submitters: Uncertain significance (6); Likely benign (5). 2 of the submissions do not count toward it. Last evaluated 2026-07-29.

Conditions:
ATM-related disorder. Also called: ATM-related disorders; ATM-related condition.
Breast and/or ovarian cancer. Identifiers: MedGen CN221562.
Hereditary cancer-predisposing syndrome. Also called: Tumor predisposition; Neoplastic Syndromes, Hereditary; Hereditary neoplastic syndrome; Hereditary Cancer Syndrome. Identifiers: Orphanet 140162, MedGen C0027672, MeSH D009386, MONDO:0015356.
Ataxia-telangiectasia syndrome (AT). Also called: Ataxia-telangiectasia, complementation group D; AT, COMPLEMENTATION GROUP C; Cerebello-oculocutaneous telangiectasia; Immunodeficiency with ataxia telangiectasia; ATAXIA-TELANGIECTASIA, COMPLEMENTATION GROUP A; ATAXIA-TELANGIECTASIA, FRESNO VARIANT. Identifiers: Orphanet 100, MedGen C0004135, MONDO:0008840, OMIM 208900.
Familial cancer of breast. Also called: BREAST CANCER, FAMILIAL; Hereditary breast cancer; hereditary breast carcinoma. Identifiers: Orphanet 227535, MedGen C0346153, MONDO:0016419, OMIM 114480. Disease mechanism: loss of function.
Carcinoma of colon (CRC). Also called: Colonic carcinoma; Colon carcinoma. Identifiers: MedGen C0699790, MONDO:0002032.

Allele frequency attached by ClinVar (database versions not stated): gnomAD 0.00003 and 0.00004; gnomAD exomes 0.00003 and 0.00001; TOPMed 0.00003; ExAC 0.00002.
gnomAD v4.1: 54 of 1,613,478 alleles (0.0033%); highest among the groups gnomAD compares: Middle Eastern, 0.033%; no homozygotes.

Submissions (13):

PreventionGenetics, part of Exact Sciences
Classification: Likely benign for ATM-related condition. Last evaluated: 2026-07-29. Review status: criteria provided, single submitter. Criteria: ACMG Guidelines, 2015. Collection method: clinical testing. Allele origin: germline.
Comment: This variant is classified as likely benign based on ACMG/AMP sequence variant interpretation guidelines (Richards et al. 2015 PMID: 25741868, with internal and published modifications).

Labcorp Genetics (formerly Invitae), Labcorp
Classification: Likely benign for Ataxia-telangiectasia syndrome. Last evaluated: 2026-01-21. Review status: criteria provided, single submitter. Criteria: Invitae Variant Classification Sherloc (09022015). Collection method: clinical testing. Allele origin: germline.

Women's Health and Genetics/Laboratory Corporation of America, LabCorp
Classification: Uncertain significance. Last evaluated: 2025-05-12. Review status: criteria provided, single submitter. Criteria: LabCorp Variant Classification Summary - May 2015. Collection method: clinical testing. Allele origin: germline.
Comment: Variant summary: ATM c.2836A>G (p.Met946Val) results in a conservative amino acid change located in the PIK-related kinase - FAT domain (IPR003151) of the encoded protein sequence. Algorithms developed to predict the effect of missense changes on protein structure and function all suggest that this variant is likely to be tolerated. Consensus agreement among computation tools predict no significant impact on normal splicing. However, these predictions have yet to be confirmed by functional studies. The variant allele was found at a frequency of 1.2e-05 in 251282 control chromosomes (gnomAD). The available data on variant occurrences in the general population are insufficient to allow any conclusion about variant significance. c.2836A>G has been observed in the literature without strong evidence for or against pathogenicity (de Oliveira_2022). This report however, does not provide unequivocal conclusions about association of the variant with Ataxia-Telangiectasia. To our knowledge, no experimental evidence demonstrating an impact on protein function has been reported. The following publication has been ascertained in the context of this evaluation (PMID: 35534704). ClinVar contains an entry for this variant (Variation ID: 141763). Based on the evidence outlined above, the variant was classified as uncertain significance.

Quest Diagnostics Nichols Institute San Juan Capistrano
Classification: Uncertain significance. Last evaluated: 2025-03-25. Review status: criteria provided, single submitter. Criteria: Quest Diagnostics criteria. Collection method: clinical testing. Allele origin: unknown.

Color Diagnostics, LLC DBA Color Health
Classification: Likely benign for Hereditary cancer-predisposing syndrome. Last evaluated: 2024-09-18. Review status: criteria provided, single submitter. Criteria: ACMG Guidelines, 2015. Collection method: clinical testing. Allele origin: germline.

Myriad Genetics, Inc.
Classification: Likely benign for Familial cancer of breast. Last evaluated: 2024-05-10. Review status: criteria provided, single submitter. Criteria: Myriad Autosomal Dominant, Autosomal Recessive and X-Linked Classification Criteria (2023). Collection method: clinical testing. Allele origin: unknown.
Comment: This variant is considered likely benign. This variant is strongly associated with less severe personal and family histories of cancer, typical for individuals without pathogenic variants in this gene [PMID: 25085752].

GeneDx
Classification: Uncertain significance. Last evaluated: 2023-08-28. Review status: criteria provided, single submitter. Criteria: GeneDx Variant Classification Process June 2021. Collection method: clinical testing. Allele origin: germline. Affected: yes.
Comment: Not observed at significant frequency in large population cohorts (gnomAD); In silico analysis supports that this missense variant does not alter protein structure/function; Observed in an individual with breast cancer (Hauke et al., 2018); This variant is associated with the following publications: (PMID: 29522266)

Baylor Genetics
Classification: Uncertain significance for Familial cancer of breast. Last evaluated: 2023-07-03. Review status: criteria provided, single submitter. Criteria: ACMG Guidelines, 2015. Collection method: clinical testing. Allele origin: unknown.

Ambry Genetics
Classification: Likely benign for Hereditary cancer-predisposing syndrome. Last evaluated: 2022-11-02. Review status: criteria provided, single submitter. Criteria: Ambry Variant Classification Scheme 2023. Collection method: clinical testing. Allele origin: germline.

CHEO Genetics Diagnostic Laboratory, Children's Hospital of Eastern Ontario
Classification: Uncertain significance for Breast and/or ovarian cancer. Last evaluated: 2022-09-22. Review status: criteria provided, single submitter. Criteria: ACMG Guidelines, 2015. Collection method: clinical testing. Allele origin: germline.

Fulgent Genetics
Classification: Uncertain significance for Familial cancer of breast; Ataxia-telangiectasia syndrome. Last evaluated: 2017-05-23. Review status: criteria provided, single submitter. Criteria: ACMG Guidelines, 2015. Collection method: clinical testing. Allele origin: unknown.

Natera, Inc.
Classification: Uncertain significance for Ataxia-telangiectasia. Last evaluated: 2020-09-16. Review status: no assertion criteria provided. Collection method: clinical testing. Allele origin: germline. Not counted in ClinVar's aggregate classification.

Department of Pathology and Laboratory Medicine, Sinai Health System
Classification: Uncertain significance for Carcinoma of colon. Review status: no assertion criteria provided. Collection method: clinical testing. Allele origin: unknown. Affected: yes. Observed: 1 variant allele. Study: The Canadian Open Genetics Repository (COGR). Not counted in ClinVar's aggregate classification.
Comment: The ATM p.Met946Val variant was identified in 1 of 11178 proband chromosomes (frequency: 0.00009) from German individuals or families with BRCA1/2 negative breast or ovarian cancer (Hauke 2018). The variant was also identified in dbSNP (ID: rs587781992) â€šÃ„ÃºWith Uncertain significance alleleâ€šÃ„Ã¹ and ClinVar (classified as uncertain significance by Ambry Genetics, Invitae, GeneDx and Fulgent Genetics (Fulgent Genetics)) and not identified in LOVD 3.0 database. The variant was identified in control databases in 4 of 277036 chromosomes at a frequency of 0.00001 (Genome Aggregation Database Feb 27, 2017), observed in the following populations: African in 1 of 24038 chromosomes (freq: 0.00004) and European Non-Finnish in 3 of 126682 chromosomes (freq: 0.00002), while not observed in the Other, Latino, Ashkenazi Jewish, East Asian, European Finnish, and South Asian populations. The p.Met946 residue is conserved in in mammals but not in more distantly related organisms however computational analyses (PolyPhen-2, SIFT, AlignGVGD, BLOSUM, MutationTaster) do not suggest a high likelihood of impact to the protein; this information is not predictive enough to rule out pathogenicity. The p.Met946Val variant occurs in the last three bases of the exon. This position has been shown to be part of the splicing consensus sequence and variants involving this position sometimes affect splicing. However, in silico or computational prediction software programs (SpliceSiteFinder, MaxEntScan, NNSPLICE, GeneSplicer, HumanSpliceFinder) do not predict a difference in splicing. In summary, based on the above information the clinical significance of this variant cannot be determined with certainty at this time. This variant is classified as a variant of uncertain significance.

Literature cited by the submitters: PubMed 35534704 (cited by Women's Health and Genetics/Laboratory Corporation of America, LabCorp); PubMed 25085752 (cited by Myriad Genetics, Inc.); PubMed 29522266 (cited by Ambry Genetics).

NM_000051.4(ATM):c.2836A>G (p.Met946Val)

Gene: ATM (ATM serine/threonine kinase; plus strand). Cytogenetic location: 11q22.3.
Variant type: single nucleotide variant.
Coding change: c.2836A>G on transcript NM_000051.4 (MANE Select); coding-DNA position 2836, A replaced by G.
Protein change: p.Met946Val; replaces methionine 946 with valine.
Molecular consequence: missense variant.
Genome position (GRCh38, 1-based): chr11:108,268,607, A>G. VCF-style: chr11-108268607-A-G. GRCh37 (hg19) VCF-style: chr11-108139334-A-G.
Other names: c.2836A>G, p.Met946Val (NM_001351834.2); short protein forms M946V.
Identifiers: ClinVar variation 141763 (VCV000141763.36), dbSNP rs587781992, ClinGen allele CA166340.